The following is an entry in ClinVar:

NM_001365536.1(SCN9A):c.1470T>A (p.Ser490Arg)

Genes: SCN9A (sodium voltage-gated channel alpha subunit 9; minus strand), SCN1A-AS1 (SCN1A and SCN9A antisense RNA 1; plus strand). Cytogenetic location: 2q24.3.
Variant type: single nucleotide variant.
Coding change: c.1470T>A on transcript NM_001365536.1 (MANE Select); coding-DNA position 1470, T replaced by A.
Protein change: p.Ser490Arg; replaces serine 490 with arginine.
Molecular consequence: missense variant.
Genome position (GRCh38, 1-based): chr2:166,286,468, A>T on the plus strand (T>A on the coding strand, the complement: SCN9A is on the minus strand). VCF-style: chr2-166286468-A-T. GRCh37 (hg19) VCF-style: chr2-167142978-A-T.
Other names: c.1470T>A, p.Ser490Arg (NM_002977.4); short protein forms S490R.
Identifiers: ClinVar variation 1354252 (VCV001354252.8), dbSNP rs2106487327, ClinGen allele CA349084671.
Genomic context (GRCh38, chr2:166,286,468, plus strand): 5'-TCTGATGCTGTCCTCTGATTCTGATTTCGACAATTTCTCAGCATCTCCCTTTTCCTCTCC[A>T]CTGGAGAGCTTCTTTTGATTCTTTTTCTTTCTTCTGTTTCTTCTTTCTTTAGCACTTTTA-3'
Protein context (NP_001352465.1, residues 480-500): RKKKNQKKLS[Ser490Arg]GEEKGDAEKL

ClinVar aggregate classification (germline): Uncertain significance (1 of 4 stars; one submission).

Conditions:
Generalized epilepsy with febrile seizures plus, type 7 (GEFSP7). Also called: GEFS+, TYPE 7. Identifiers: Orphanet 36387, MedGen C2751778, MONDO:0013470, OMIM 613863.
Neuropathy, hereditary sensory and autonomic, type 2A (HSAN2A). Also called: WNK1-Related HSAN2 (HSAN2A); MORVAN DISEASE; NEUROPATHY, CONGENITAL SENSORY; NEUROPATHY, HEREDITARY SENSORY RADICULAR, AUTOSOMAL RECESSIVE; NEUROPATHY, HEREDITARY SENSORY, TYPE IIA; NEUROPATHY, PROGRESSIVE SENSORY, OF CHILDREN. Identifiers: Orphanet 970, MedGen C2752089, MONDO:0024309, OMIM 201300.

Submission:

Labcorp Genetics (formerly Invitae), Labcorp
Classification: Uncertain significance for Neuropathy, hereditary sensory and autonomic, type 2A; Generalized epilepsy with febrile seizures plus, type 7. Last evaluated: 2021-05-17. Review status: criteria provided, single submitter. Criteria: Invitae Variant Classification Sherloc (09022015). Collection method: clinical testing. Allele origin: germline.
Comment: In summary, the available evidence is currently insufficient to determine the role of this variant in disease. Therefore, it has been classified as a Variant of Uncertain Significance. Algorithms developed to predict the effect of missense changes on protein structure and function output the following: SIFT: "Tolerated"; PolyPhen-2: "Benign"; Align-GVGD: "Class C0". The arginine amino acid residue is found in multiple mammalian species, suggesting that this missense change does not adversely affect protein function. These predictions have not been confirmed by published functional studies and their clinical significance is uncertain. This variant has not been reported in the literature in individuals with SCN9A-related conditions. This variant is not present in population databases (ExAC no frequency). This sequence change replaces serine with arginine at codon 490 of the SCN9A protein (p.Ser490Arg). The serine residue is moderately conserved and there is a moderate physicochemical difference between serine and arginine.